The following is an entry in ClinVar:

NM_000179.3(MSH6):c.2954T>G (p.Phe985Cys)

Gene: MSH6 (mutS homolog 6; plus strand). Cytogenetic location: 2p16.3.
Variant type: single nucleotide variant.
Coding change: c.2954T>G on transcript NM_000179.3 (MANE Select); coding-DNA position 2954, T replaced by G.
Protein change: p.Phe985Cys; replaces phenylalanine 985 with cysteine.
Molecular consequence: missense variant.
Genome position (GRCh38, 1-based): chr2:47,800,937, T>G. VCF-style: chr2-47800937-T-G. GRCh37 (hg19) VCF-style: chr2-48028076-T-G.
Other names: c.2564T>G, p.Phe855Cys (NM_001281492.2); c.2048T>G, p.Phe683Cys (NM_001281493.2, NM_001281494.2); short protein forms F683C, F855C, F985C.
Identifiers: ClinVar variation 646641 (VCV000646641.9), dbSNP rs1572729394, ClinGen allele CA346756249.

ClinVar aggregate classification (germline): Uncertain significance (1 of 4 stars; one submission).

Conditions:
Hereditary nonpolyposis colorectal neoplasms. Identifiers: MedGen C0009405, MeSH D003123.

Submission:

Labcorp Genetics (formerly Invitae), Labcorp
Classification: Uncertain significance for Hereditary nonpolyposis colorectal neoplasms. Last evaluated: 2018-08-20. Review status: criteria provided, single submitter. Criteria: Invitae Variant Classification Sherloc (09022015). Collection method: clinical testing. Allele origin: germline.
Comment: This sequence change replaces phenylalanine with cysteine at codon 985 of the MSH6 protein (p.Phe985Cys). The phenylalanine residue is weakly conserved and there is a large physicochemical difference between phenylalanine and cysteine. This variant is not present in population databases (ExAC no frequency). This variant has not been reported in the literature in individuals with MSH6-related disease. Algorithms developed to predict the effect of missense changes on protein structure and function are either unavailable or do not agree on the potential impact of this missense change (SIFT: "Tolerated"; PolyPhen-2: "Probably Damaging"; Align-GVGD: "Class C25"). In summary, the available evidence is currently insufficient to determine the role of this variant in disease. Therefore, it has been classified as a Variant of Uncertain Significance.